The following is an entry in ClinVar:

NM_182961.4(SYNE1):c.24449A>G (p.Lys8150Arg)

Gene: SYNE1 (spectrin repeat containing nuclear envelope protein 1; minus strand). Cytogenetic location: 6q25.2.
Variant type: single nucleotide variant.
Coding change: c.24449A>G on transcript NM_182961.4 (MANE Select); coding-DNA position 24449, A replaced by G.
Protein change: p.Lys8150Arg; replaces lysine 8150 with arginine.
Molecular consequence: missense variant.
Genome position (GRCh38, 1-based): chr6:152,151,554, T>C on the plus strand (A>G on the coding strand, the complement: SYNE1 is on the minus strand). VCF-style: chr6-152151554-T-C. GRCh37 (hg19) VCF-style: chr6-152472689-T-C.
Other names: c.1055A>G, p.Lys352Arg (NM_001347701.2); c.914A>G, p.Lys305Arg (NM_001347702.2); c.24236A>G, p.Lys8079Arg (NM_033071.5); short protein forms K8079R, K8150R, K305R, K352R.
Identifiers: ClinVar variation 499221 (VCV000499221.10), dbSNP rs557350925, ClinGen allele CA4053181.

ClinVar aggregate classification (germline): Conflicting classifications of pathogenicity. Review status: criteria provided, conflicting classifications (1 of 4 stars). 3 submissions from 3 submitters: Uncertain significance (2); Likely benign (1). Last evaluated 2025-03-20.

Allele frequency attached by ClinVar (database versions not stated): TOPMed 0.00002; gnomAD 0.00003; gnomAD exomes 0.00003 and 0.00006; ExAC 0.00006; 1000 Genomes Project 30x 0.00016; 1000 Genomes Project 0.00020.
gnomAD v4.1: 52 of 1,614,016 alleles (0.0032%); highest among the groups gnomAD compares: Middle Eastern, 0.049%; no homozygotes.

Submissions (3):

GeneDx
Classification: Uncertain significance. Last evaluated: 2025-03-20. Review status: criteria provided, single submitter. Criteria: GeneDx Variant Classification Process June 2021. Collection method: clinical testing. Allele origin: germline. Affected: yes.
Comment: In silico analysis indicates that this missense variant does not alter protein structure/function; Has not been previously published as pathogenic or benign to our knowledge

Revvity Omics, Revvity
Classification: Likely benign. Last evaluated: 2023-07-12. Review status: criteria provided, single submitter. Criteria: ACMG Guidelines, 2015. Collection method: clinical testing. Allele origin: germline.

Eurofins Ntd Llc (ga)
Classification: Uncertain significance. Last evaluated: 2017-01-04. Review status: criteria provided, single submitter. Criteria: EGL Classification Definitions 2015. Collection method: clinical testing. Allele origin: germline. Observed: 1 variant allele, 1 heterozygote.